The following is an entry in ClinVar:

NM_000051.4(ATM):c.1092_1235+363del

Gene: ATM (ATM serine/threonine kinase; plus strand). Cytogenetic location: 11q22.3.
Variant type: Deletion.
Coding change: c.1092_1235+363del on transcript NM_000051.4 (MANE Select); coding-DNA position 1092 through 363 bases into the intron after coding-DNA position 1235, 507 bases deleted.
Molecular consequence: splice donor variant.
Genome position (GRCh38, 1-based): chr11:108,248,959-108,249,465, 507 bases deleted. GRCh37 (hg19): chr11:108,119,686-108,120,192.
Other names: c.1092_1235+363del (NM_001351834.2).
Identifiers: ClinVar variation 662088 (VCV000662088.2), dbSNP rs1591517314, ClinGen allele CA915947734.

ClinVar aggregate classification (germline): Likely pathogenic (1 of 4 stars; one submission).

Conditions:
Ataxia-telangiectasia syndrome (AT). Also called: Ataxia-telangiectasia, complementation group D; AT, COMPLEMENTATION GROUP C; Ataxia telangiectasia (A-T); Cerebello-oculocutaneous telangiectasia; Immunodeficiency with ataxia telangiectasia; ATAXIA-TELANGIECTASIA, COMPLEMENTATION GROUP A. Identifiers: Orphanet 100, MedGen C0004135, MONDO:0008840, OMIM 208900.

Submission:

Labcorp Genetics (formerly Invitae), Labcorp
Classification: Likely pathogenic for Ataxia-telangiectasia syndrome. Last evaluated: 2019-11-01. Review status: criteria provided, single submitter. Criteria: Invitae Variant Classification Sherloc (09022015). Collection method: clinical testing. Allele origin: germline.
Comment: This variant is a gross deletion of the genomic region encompassing part of exon 9 and part of intron 9 (c.1092_1235+363del) of the ATM gene. It is expected to disrupt RNA splicing and likely results in an absent or disrupted protein product. This variant has not been reported in the literature in individuals with ATM-related disease. Loss-of-function variants in ATM are known to be pathogenic (PMID: 23807571, 25614872). In summary, the currently available evidence indicates that the variant is pathogenic, but additional data are needed to prove that conclusively. Therefore, this variant has been classified as Likely Pathogenic.